The following is an entry in ClinVar:

ClinVar aggregate classification (germline): Uncertain significance (1 of 4 stars; one submission).

Submission:

Labcorp Genetics (formerly Invitae), Labcorp
Classification: Uncertain significance. Last evaluated: 2025-11-19. Review status: criteria provided, single submitter. Criteria: Invitae Variant Classification Sherloc (09022015). Collection method: clinical testing. Allele origin: germline.
Comment: This sequence change replaces aspartic acid, which is acidic and polar, with glutamic acid, which is acidic and polar, at codon 54 of the SLC25A32 protein (p.Asp54Glu). This variant is not present in population databases (gnomAD no frequency). This variant has not been reported in the literature in individuals affected with SLC25A32-related conditions. Invitae Evidence Modeling of protein sequence and biophysical properties (such as structural, functional, and spatial information, amino acid conservation, physicochemical variation, residue mobility, and thermodynamic stability) indicates that this missense variant is not expected to disrupt SLC25A32 protein function with a negative predictive value of 80%. In summary, the available evidence is currently insufficient to determine the role of this variant in disease. Therefore, it has been classified as a Variant of Uncertain Significance.

NM_030780.5(SLC25A32):c.162T>A (p.Asp54Glu)

Gene: SLC25A32 (solute carrier family 25 member 32; minus strand). Cytogenetic location: 8q22.3.
Variant type: single nucleotide variant.
Coding change: c.162T>A on transcript NM_030780.5 (MANE Select); coding-DNA position 162, T replaced by A.
Protein change: p.Asp54Glu; replaces aspartic acid 54 with glutamic acid.
Molecular consequence: missense variant. On other transcripts: non-coding transcript variant (2).
Genome position (GRCh38, 1-based): chr8:103,407,777, A>T on the plus strand (T>A on the coding strand, the complement: SLC25A32 is on the minus strand). VCF-style: chr8-103407777-A-T. GRCh37 (hg19) VCF-style: chr8-104420005-A-T.
Other names: short protein forms D54E.
Identifiers: ClinVar variation 4775038 (VCV004775038.1).
Genomic context (GRCh38, chr8:103,407,777, plus strand): 5'-TTTCCAAATGGTAGTCAAGCAATGTAAAATTCCATTATATTTCGGTCTCAGTTCCAATCC[A>T]TCACTCACTGCATCAAGGGATACACAAAGTCAGGTAAGAACAAAGTTCTAGCTCTGTATC-3'
Protein context (NP_110407.2, residues 44-64): DLVKIRFAVS[Asp54Glu]GLELRPKYNG